The following is an entry in ClinVar:

NM_080680.3(COL11A2):c.2186G>A (p.Arg729Gln)

Gene: COL11A2 (collagen type XI alpha 2 chain; minus strand). Cytogenetic location: 6p21.32.
Variant type: single nucleotide variant.
Coding change: c.2186G>A on transcript NM_080680.3 (MANE Select); coding-DNA position 2186, G replaced by A.
Protein change: p.Arg729Gln; replaces arginine 729 with glutamine.
Molecular consequence: missense variant.
Genome position (GRCh38, 1-based): chr6:33,176,287, C>T on the plus strand (G>A on the coding strand, the complement: COL11A2 is on the minus strand). VCF-style: chr6-33176287-C-T. GRCh37 (hg19) VCF-style: chr6-33144064-C-T.
Other names: c.1865G>A, p.Arg622Gln (NM_080679.3); c.1928G>A, p.Arg643Gln (NM_080681.3); short protein forms R729Q, R622Q, R643Q.
Identifiers: ClinVar variation 162992 (VCV000162992.33), dbSNP rs61730262, ClinGen allele CA175569.

ClinVar aggregate classification (germline): Conflicting classifications of pathogenicity. Review status: criteria provided, conflicting classifications (1 of 4 stars). 11 submissions from 10 submitters: Uncertain significance (1); Benign (5); Likely benign (5). Last evaluated 2026-02-02.

Conditions:
Otospondylomegaepiphyseal dysplasia, autosomal dominant (OSMEDA). Also called: COL11A2-Related Stickler Syndrome; Stickler syndrome, type 3; Pierre Robin syndrome with fetal chondrodysplasia. Identifiers: Orphanet 166100, Orphanet 3450, MedGen C1848488, MONDO:0008490, OMIM 184840.
Autosomal recessive nonsyndromic hearing loss 53. Identifiers: Orphanet 90636, MedGen C1864746, MONDO:0012333, OMIM 609706.
Autosomal dominant nonsyndromic hearing loss 13. Identifiers: Orphanet 90635, MedGen C1866095, MONDO:0011159, OMIM 601868.
Fibrochondrogenesis 2 (FBCG2). Identifiers: Orphanet 2021, MedGen C3281128, MONDO:0013795, OMIM 614524.
Otospondylomegaepiphyseal dysplasia, autosomal recessive (OSMEDB). Also called: CHONDRODYSTROPHY WITH SENSORINEURAL DEAFNESS; Insley-Astley syndrome. Identifiers: Orphanet 1427, MedGen CN034493, MONDO:0044206, OMIM 215150.
Inborn genetic diseases. Identifiers: MedGen C0950123, MeSH D030342.

Allele frequency attached by ClinVar (database versions not stated): gnomAD exomes 0.00082; ExAC 0.00120; gnomAD 0.00318 and 0.00339; ESP Exome Variant Server 0.00332; TOPMed 0.00413; 1000 Genomes Project 30x 0.00437; 1000 Genomes Project 0.00439.
gnomAD v4.1: 1,100 of 1,606,962 alleles (0.068%); highest among the groups gnomAD compares: African/African-American, 1.2%; 7 homozygotes.

Submissions (11):

Labcorp Genetics (formerly Invitae), Labcorp
Classification: Benign. Last evaluated: 2026-02-02. Review status: criteria provided, single submitter. Criteria: Invitae Variant Classification Sherloc (09022015). Collection method: clinical testing. Allele origin: germline.

Ambry Genetics
Classification: Uncertain significance for Inborn genetic diseases. Last evaluated: 2025-08-03. Review status: criteria provided, single submitter. Criteria: Ambry Variant Classification Scheme 2023. Collection method: clinical testing. Allele origin: germline.

CeGaT Center for Human Genetics Tuebingen
Classification: Likely benign. Last evaluated: 2025-07-01. Review status: criteria provided, single submitter. Criteria: CeGaT Center For Human Genetics Tuebingen Variant Classification Criteria Version 2. Collection method: clinical testing. Allele origin: germline. Affected: yes. Observed: 1 variant allele.
Comment: COL11A2: BS1

ARUP Laboratories, Molecular Genetics and Genomics, ARUP Laboratories
Classification: Benign. Last evaluated: 2025-06-11. Review status: criteria provided, single submitter. Criteria: ARUP Molecular Germline Variant Investigation Process 2024. Collection method: clinical testing. Allele origin: germline.

Blueprint Genetics
Classification: Likely benign. Last evaluated: 2024-11-14. Review status: criteria provided, single submitter. Criteria: ACMG Guidelines, 2015. Collection method: clinical testing. Allele origin: germline.

Fulgent Genetics
Classification: Likely benign for Otospondylomegaepiphyseal dysplasia, autosomal dominant; Otospondylomegaepiphyseal dysplasia, autosomal recessive; Autosomal dominant nonsyndromic hearing loss 13; Autosomal recessive nonsyndromic hearing loss 53; Fibrochondrogenesis 2. Last evaluated: 2021-09-16. Review status: criteria provided, single submitter. Criteria: ACMG Guidelines, 2015. Collection method: clinical testing. Allele origin: unknown.

GeneDx
Classification: Likely benign. Last evaluated: 2020-10-27. Review status: criteria provided, single submitter. Criteria: GeneDx Variant Classification Process June 2021. Collection method: clinical testing. Allele origin: germline. Affected: yes.
Comment: This variant is associated with the following publications: (PMID: 23804846)

Illumina Laboratory Services, Illumina
Classification: Benign for Otospondylomegaepiphyseal dysplasia, autosomal recessive. Last evaluated: 2018-01-13. Review status: criteria provided, single submitter. Criteria: ICSL Variant Classification Criteria 13 December 2019. Collection method: clinical testing. Allele origin: germline.
Comment: This variant was observed in the ICSL laboratory as part of a predisposition screen in an ostensibly healthy population. It had not been previously curated by ICSL or reported in the Human Gene Mutation Database (HGMD: prior to June 1st, 2018), and was therefore a candidate for classification through an automated scoring system. Utilizing variant allele frequency, disease prevalence and penetrance estimates, and inheritance mode, an automated score was calculated to assess if this variant is too frequent to cause the disease. Based on the score and internal cut-off values, a variant classified as benign is not then subjected to further curation. The score for this variant resulted in a classification of benign for this disease.

Illumina Laboratory Services, Illumina
Classification: Benign for Fibrochondrogenesis 2. Last evaluated: 2018-01-13. Review status: criteria provided, single submitter. Criteria: ICSL Variant Classification Criteria 13 December 2019. Collection method: clinical testing. Allele origin: germline.
Comment: the same text as in the submission from Illumina Laboratory Services, Illumina above.

Laboratory for Molecular Medicine, Mass General Brigham Personalized Medicine
Classification: Benign. Last evaluated: 2012-04-30. Review status: criteria provided, single submitter. Criteria: LMM Criteria. Collection method: clinical testing. Allele origin: germline. Observed: 8 variant alleles.
Comment: Arg729Gln in Exon 28 of COL11A2: This variant is not expected to have clinical s ignificance because it has been identified in 0.9% (27/3036) of African American chromosomes from a broad population by the NHLBI Exome Sequencing Project (dbSNP rs61730262).

Breakthrough Genomics
Classification: Likely benign. Review status: criteria provided, single submitter. Criteria: ACMG Guidelines, 2015. Collection method: not provided. Allele origin: germline. Inheritance: Autosomal recessive inheritance. Affected: yes.